The following is an entry in ClinVar:

NM_001009999.3(KDM1A):c.814G>A (p.Val272Ile)

Gene: KDM1A (lysine demethylase 1A; plus strand). Cytogenetic location: 1p36.12.
Variant type: single nucleotide variant.
Coding change: c.814G>A on transcript NM_001009999.3 (MANE Select); coding-DNA position 814, G replaced by A.
Protein change: p.Val272Ile; replaces valine 272 with isoleucine.
Molecular consequence: missense variant.
Genome position (GRCh38, 1-based): chr1:23,055,092, G>A. VCF-style: chr1-23055092-G-A. GRCh37 (hg19) VCF-style: chr1-23381585-G-A.
Other names: c.754G>A, p.Val252Ile (NM_001363654.2, NM_001410763.1, NM_015013.4); c.814G>A, p.Val272Ile (NM_001410762.1); c.814G>A (NM_001009999.2); short protein forms V252I, V272I.
Identifiers: ClinVar variation 1896985 (VCV001896985.6), dbSNP rs759638292, ClinGen allele CA679566.

ClinVar aggregate classification (germline): Conflicting classifications of pathogenicity. Review status: criteria provided, conflicting classifications (1 of 4 stars). 2 submissions from 2 submitters: Uncertain significance (1); Likely benign (1). Last evaluated 2025-05-17.

Conditions:
Inborn genetic diseases. Identifiers: MedGen C0950123, MeSH D030342.

Allele frequency attached by ClinVar (database versions not stated): gnomAD exomes below 0.00001; ExAC 0.00001; TOPMed 0.00001.
gnomAD v4.1: 5 of 1,611,068 alleles (0.00031%); highest among the groups gnomAD compares: Admixed American, 0.0084%; no homozygotes.

Submissions (2):

Ambry Genetics
Classification: Likely benign for Inborn genetic diseases. Last evaluated: 2025-05-17. Review status: criteria provided, single submitter. Criteria: Ambry Variant Classification Scheme 2023. Collection method: clinical testing. Allele origin: germline.

Labcorp Genetics (formerly Invitae), Labcorp
Classification: Uncertain significance. Last evaluated: 2022-11-22. Review status: criteria provided, single submitter. Criteria: Invitae Variant Classification Sherloc (09022015). Collection method: clinical testing. Allele origin: germline.
Comment: In summary, the available evidence is currently insufficient to determine the role of this variant in disease. Therefore, it has been classified as a Variant of Uncertain Significance. Advanced modeling of protein sequence and biophysical properties (such as structural, functional, and spatial information, amino acid conservation, physicochemical variation, residue mobility, and thermodynamic stability) performed at Invitae indicates that this missense variant is not expected to disrupt KDM1A protein function. This variant has not been reported in the literature in individuals affected with KDM1A-related conditions. This variant is present in population databases (rs759638292, gnomAD 0.02%). This sequence change replaces valine, which is neutral and non-polar, with isoleucine, which is neutral and non-polar, at codon 272 of the KDM1A protein (p.Val272Ile).